The following is an entry in ClinVar:

ClinVar aggregate classification (germline): Uncertain significance (1 of 4 stars; one submission).

Conditions:
Aortic valve disease 2 (AOVD2). Identifiers: MedGen C3542024, MONDO:0013902, OMIM 614823.

Allele frequency attached by ClinVar (database versions not stated): gnomAD exomes below 0.00001.
gnomAD v4.1: 1 of 1,613,870 alleles (0.000062%); highest among the groups gnomAD compares: Non-Finnish European, 0.000085%; no homozygotes.

Submission:

Labcorp Genetics (formerly Invitae), Labcorp
Classification: Uncertain significance for Aortic valve disease 2. Last evaluated: 2024-12-02. Review status: criteria provided, single submitter. Criteria: Invitae Variant Classification Sherloc (09022015). Collection method: clinical testing. Allele origin: germline.
Comment: This sequence change replaces methionine, which is neutral and non-polar, with valine, which is neutral and non-polar, at codon 343 of the TBX5 protein (p.Met343Val). This variant is not present in population databases (gnomAD no frequency). This variant has not been reported in the literature in individuals affected with TBX5-related conditions. ClinVar contains an entry for this variant (Variation ID: 2789317). Invitae Evidence Modeling of protein sequence and biophysical properties (such as structural, functional, and spatial information, amino acid conservation, physicochemical variation, residue mobility, and thermodynamic stability) indicates that this missense variant is not expected to disrupt TBX5 protein function with a negative predictive value of 80%. In summary, the available evidence is currently insufficient to determine the role of this variant in disease. Therefore, it has been classified as a Variant of Uncertain Significance.

NM_181486.4(TBX5):c.1027A>G (p.Met343Val)

Gene: TBX5 (T-box transcription factor 5; minus strand). Cytogenetic location: 12q24.21.
Variant type: single nucleotide variant.
Coding change: c.1027A>G on transcript NM_181486.4 (MANE Select); coding-DNA position 1027, A replaced by G.
Protein change: p.Met343Val; replaces methionine 343 with valine.
Molecular consequence: missense variant.
Genome position (GRCh38, 1-based): chr12:114,356,062, T>C on the plus strand (A>G on the coding strand, the complement: TBX5 is on the minus strand). VCF-style: chr12-114356062-T-C. GRCh37 (hg19) VCF-style: chr12-114793867-T-C.
Other names: c.1027A>G, p.Met343Val (NM_000192.3); c.877A>G, p.Met293Val (NM_080717.4); short protein forms M343V, M293V.
Identifiers: ClinVar variation 2789317 (VCV002789317.3), dbSNP rs2540425609, ClinGen allele CA386925950.